The following is an entry in ClinVar:

ClinVar aggregate classification (germline): Uncertain significance (1 of 4 stars; one submission).

Submission:

Ambry Genetics
Classification: Uncertain significance. Last evaluated: 2025-03-25. Review status: criteria provided, single submitter. Criteria: Ambry Variant Classification Scheme 2023. Collection method: clinical testing. Allele origin: germline.
Comment: The p.A1603V variant (also known as c.4808C>T), located in coding exon 19 of the WNK2 gene, results from a C to T substitution at nucleotide position 4808. The alanine at codon 1603 is replaced by valine, an amino acid with similar properties. This amino acid position is conserved. In addition, this alteration is predicted to be tolerated by in silico analysis. Based on the available evidence, the clinical significance of this variant remains unclear.

NM_006648.4(WNK2):c.4808C>T (p.Ala1603Val)

Gene: WNK2 (WNK lysine deficient protein kinase 2; plus strand). Cytogenetic location: 9q22.31.
Variant type: single nucleotide variant.
Coding change: c.4808C>T on transcript NM_006648.4 (MANE Select); coding-DNA position 4808, C replaced by T.
Protein change: p.Ala1603Val; replaces alanine 1603 with valine.
Molecular consequence: missense variant.
Genome position (GRCh38, 1-based): chr9:93,289,562, C>T. VCF-style: chr9-93289562-C-T. GRCh37 (hg19) VCF-style: chr9-96051844-C-T.
Other names: c.4919C>T, p.Ala1640Val (NM_001282394.3); short protein forms A1603V, A1640V.
Identifiers: ClinVar variation 3981714 (VCV003981714.1).